The following is an entry in ClinVar:

ClinVar aggregate classification (germline): Conflicting classifications of pathogenicity. Review status: criteria provided, conflicting classifications (1 of 4 stars). 5 submissions from 5 submitters: Likely pathogenic (2); Uncertain significance (3). Last evaluated 2023-11-20.

Conditions:
Tuberous sclerosis 1 (TSC1). Identifiers: Orphanet 805, MedGen C1854465, MONDO:0008612, OMIM 191100.
Hereditary cancer-predisposing syndrome. Also called: Neoplastic Syndromes, Hereditary; Hereditary neoplastic syndrome; Tumor predisposition; Hereditary Cancer Syndrome. Identifiers: Orphanet 140162, MedGen C0027672, MeSH D009386, MONDO:0015356.

Allele frequency attached by ClinVar (database versions not stated): gnomAD exomes below 0.00001.
gnomAD v4.1: 1 of 1,604,506 alleles (0.000062%); highest among the groups gnomAD compares: Non-Finnish European, 0.000085%; no homozygotes.

Submissions (5):

Labcorp Genetics (formerly Invitae), Labcorp
Classification: Uncertain significance for Tuberous sclerosis 1. Last evaluated: 2023-11-20. Review status: criteria provided, single submitter. Criteria: Invitae Variant Classification Sherloc (09022015). Collection method: clinical testing. Allele origin: germline.
Comment: This sequence change falls in intron 10 of the TSC1 gene. It does not directly change the encoded amino acid sequence of the TSC1 protein. It affects a nucleotide within the consensus splice site. This variant is not present in population databases (gnomAD no frequency). This variant has been observed in individual(s) with TSC1-related conditions (PMID: 32203225). ClinVar contains an entry for this variant (Variation ID: 547823). Variants that disrupt the consensus splice site are a relatively common cause of aberrant splicing (PMID: 17576681, 9536098). Algorithms developed to predict the effect of sequence changes on RNA splicing suggest that this variant may disrupt the consensus splice site. In summary, the available evidence is currently insufficient to determine the role of this variant in disease. Therefore, it has been classified as a Variant of Uncertain Significance.

Ambry Genetics
Classification: Likely pathogenic for Hereditary cancer-predisposing syndrome. Last evaluated: 2023-07-21. Review status: criteria provided, single submitter. Criteria: Ambry Variant Classification Scheme 2023. Collection method: clinical testing. Allele origin: germline.
Comment: The c.1029+3A>G intronic variant results from an A to G substitution 3 nucleotides after coding exon 8 in the TSC1 gene. One study reports that this alteration was identified in an individual diagnosed with Tuberous sclerosis complex (Thomas CP et al. Genet Med, 2020 Jun;22:1025-1035). This variant is considered to be rare based on population cohorts in the Genome Aggregation Database (gnomAD). This nucleotide position is highly conserved in available vertebrate species. In silico splice site analysis predicts that this alteration will weaken the native splice donor site. RNA studies have demonstrated that this alteration results in abnormal splicing in the set of samples tested (Ambry internal data). Based on the majority of available evidence to date, this variant is likely to be pathogenic.

GeneDx
Classification: Uncertain significance. Last evaluated: 2023-03-29. Review status: criteria provided, single submitter. Criteria: GeneDx Variant Classification Process June 2021. Collection method: clinical testing. Allele origin: germline. Affected: yes.
Comment: Not observed at significant frequency in large population cohorts (gnomAD); In silico analysis supports a deleterious effect on splicing; Observed in a patient with tuberous sclerosis (Thomas et al., 2020); This variant is associated with the following publications: (PMID: 32203225)

Quest Diagnostics Nichols Institute San Juan Capistrano
Classification: Uncertain significance. Last evaluated: 2021-08-20. Review status: criteria provided, single submitter. Criteria: Quest Diagnostics criteria. Collection method: clinical testing. Allele origin: unknown.

Center for Human Genetics, Inc
Classification: Likely pathogenic for Tuberous sclerosis 1. Last evaluated: 2016-11-01. Review status: criteria provided, single submitter. Criteria: ACMG Guidelines, 2015. Collection method: clinical testing. Allele origin: germline. Affected: yes.

Literature cited by the submitters: PubMed 32203225 (cited by 3 submitters); PubMed 17576681 (cited by Labcorp Genetics (formerly Invitae), Labcorp); PubMed 9536098 (cited by Labcorp Genetics (formerly Invitae), Labcorp).

NM_000368.5(TSC1):c.1029+3A>G

Gene: TSC1 (TSC complex subunit 1; minus strand). Cytogenetic location: 9q34.13.
Variant type: single nucleotide variant.
Coding change: c.1029+3A>G on transcript NM_000368.5 (MANE Select); 3 bases into the intron after coding-DNA position 1029, A replaced by G.
Molecular consequence: intron variant.
Genome position (GRCh38, 1-based): chr9:132,911,450, T>C on the plus strand (A>G on the coding strand, the complement: TSC1 is on the minus strand). VCF-style: chr9-132911450-T-C. GRCh37 (hg19) VCF-style: chr9-135786837-T-C.
Other names: c.666+3A>G (NM_001362177.2); c.876+3A>G (NM_001162427.2); c.1029+3A>G (NM_001162426.2).
Identifiers: ClinVar variation 547823 (VCV000547823.9), dbSNP rs1554817334, ClinGen allele CA658822160.
Genomic context (GRCh38, chr9:132,911,450, plus strand): 5'-ACCCAAAGGGTCAGCTTCACCAGAAAGCAGAGGAGAGAGCAGGCACACTAGTTGACACCA[T>C]ACTTGTGGTGGTTCAGTTATCAGCCGTGTCGATGGGGAACTCAGAGTCTGAGGTAGCTGC-3'